The following is an entry in ClinVar:

ClinVar aggregate classification (germline): Benign/Likely benign. Review status: criteria provided, multiple submitters, no conflicts (2 of 4 stars). 7 submissions from 7 submitters: Benign (5); Likely benign (1). 1 of the submissions does not count toward it. Last evaluated 2026-02-02.

Conditions:
Microcephalic osteodysplastic primordial dwarfism type II (MOPD2). Also called: Microcephalic osteodysplastic primordial dwarfism with tooth abnormalities; MOPD II; OSTEODYSPLASTIC PRIMORDIAL DWARFISM, TYPE II. Identifiers: Orphanet 2637, MedGen C0432246, MONDO:0008872, OMIM 210720.

Allele frequency attached by ClinVar (database versions not stated): gnomAD 0.01142 and 0.01225; ESP Exome Variant Server 0.01230; TOPMed 0.01316; 1000 Genomes Project 0.01677; 1000 Genomes Project 30x 0.01733.
gnomAD v4.1: 3,405 of 1,613,934 alleles (0.21%); highest among the groups gnomAD compares: African/African-American, 4%; 58 homozygotes.

Submissions (9):

Labcorp Genetics (formerly Invitae), Labcorp
Classification: Benign. Last evaluated: 2026-02-02. Review status: criteria provided, single submitter. Criteria: Invitae Variant Classification Sherloc (09022015). Collection method: clinical testing. Allele origin: germline.

ARUP Laboratories, Molecular Genetics and Genomics, ARUP Laboratories
Classification: Benign for Microcephalic osteodysplastic primordial dwarfism type II. Last evaluated: 2023-02-10. Review status: criteria provided, single submitter. Criteria: ARUP Molecular Germline Variant Investigation Process 2024. Collection method: clinical testing. Allele origin: germline.

Fulgent Genetics
Classification: Likely benign for Microcephalic osteodysplastic primordial dwarfism type II. Last evaluated: 2022-01-06. Review status: criteria provided, single submitter. Criteria: ACMG Guidelines, 2015. Collection method: clinical testing. Allele origin: unknown.

Illumina Laboratory Services, Illumina
Classification: Benign for Microcephalic osteodysplastic primordial dwarfism type II. Last evaluated: 2018-01-12. Review status: criteria provided, single submitter. Criteria: ICSL Variant Classification Criteria 13 December 2019. Collection method: clinical testing. Allele origin: germline.
Comment: This variant was observed in the ICSL laboratory as part of a predisposition screen in an ostensibly healthy population. It had not been previously curated by ICSL or reported in the Human Gene Mutation Database (HGMD: prior to June 1st, 2018), and was therefore a candidate for classification through an automated scoring system. Utilizing variant allele frequency, disease prevalence and penetrance estimates, and inheritance mode, an automated score was calculated to assess if this variant is too frequent to cause the disease. Based on the score and internal cut-off values, a variant classified as benign is not then subjected to further curation. The score for this variant resulted in a classification of benign for this disease.

GeneDx
Classification: Benign. Last evaluated: 2015-11-20. Review status: criteria provided, single submitter. Criteria: GeneDx Variant Classification (06012015). Collection method: clinical testing. Allele origin: germline. Affected: yes.
Comment: This variant is considered likely benign or benign based on one or more of the following criteria: it is a conservative change, it occurs at a poorly conserved position in the protein, it is predicted to be benign by multiple in silico algorithms, and/or has population frequency not consistent with disease.

Breakthrough Genomics
Classification: Benign. Review status: criteria provided, single submitter. Criteria: ACMG Guidelines, 2015. Collection method: not provided. Allele origin: germline. Inheritance: Autosomal recessive inheritance. Affected: yes.

Dr. Peter K. Rogan Lab, Western University
No classification provided (evidence only). Condition: Lung cancer. Review status: no classification provided. Collection method: in vitro. Allele origin: not applicable. Functional consequence: retained intron. Not counted in ClinVar's aggregate classification.

Dr. Peter K. Rogan Lab, Western University
No classification provided (evidence only). Condition: Uterine corpus endometrial carcinoma. Review status: no classification provided. Collection method: in vitro. Allele origin: not applicable. Functional consequence: retained intron. Not counted in ClinVar's aggregate classification.

Genetic Services Laboratory, University of Chicago
Classification: Likely benign. Review status: no assertion criteria provided. Collection method: clinical testing. Allele origin: germline. Inheritance: Autosomal recessive inheritance. Not counted in ClinVar's aggregate classification.
Comment: Likely benign based on allele frequency in 1000 Genomes Project or ESP global frequency and its presence in a patient with a rare or unrelated disease phenotype. NOT Sanger confirmed

NM_006031.6(PCNT):c.4962+10G>A

Gene: PCNT (pericentrin; plus strand). Cytogenetic location: 21q22.3.
Variant type: single nucleotide variant.
Coding change: c.4962+10G>A on transcript NM_006031.6 (MANE Select); 10 bases into the intron after coding-DNA position 4962, G replaced by A.
Molecular consequence: intron variant.
Genome position (GRCh38, 1-based): chr21:46,401,731, G>A. VCF-style: chr21-46401731-G-A. GRCh37 (hg19) VCF-style: chr21-47821645-G-A.
Other names: c.4608+10G>A (NM_001315529.2).
Identifiers: ClinVar variation 159614 (VCV000159614.27), dbSNP rs114474454, ClinGen allele CA173020.